The following is an entry in ClinVar:

NM_000288.4(PEX7):c.49C>A (p.Arg17Ser)

Gene: PEX7 (peroxisomal biogenesis factor 7; plus strand). Cytogenetic location: 6q23.3.
Variant type: single nucleotide variant.
Coding change: c.49C>A on transcript NM_000288.4 (MANE Select); coding-DNA position 49, C replaced by A.
Protein change: p.Arg17Ser; replaces arginine 17 with serine.
Molecular consequence: missense variant.
Genome position (GRCh38, 1-based): chr6:136,822,714, C>A. VCF-style: chr6-136822714-C-A. GRCh37 (hg19) VCF-style: chr6-137143852-C-A.
Other names: short protein forms R17S.
Identifiers: ClinVar variation 4134948 (VCV004134948.2).

ClinVar aggregate classification (germline): Uncertain significance (1 of 4 stars; one submission).

Conditions:
Inborn genetic diseases. Identifiers: MedGen C0950123, MeSH D030342.

gnomAD v4.1: 1 of 1,516,296 alleles (0.000066%); no homozygotes.

Submission:

Ambry Genetics
Classification: Uncertain significance for Inborn genetic diseases. Last evaluated: 2026-08-10. Review status: criteria provided, single submitter. Criteria: Ambry Variant Classification Scheme 2023. Collection method: clinical testing. Allele origin: germline.
Comment: The p.R17S variant (also known as c.49C>A), located in coding exon 1 of the PEX7 gene, results from a C to A substitution at nucleotide position 49. The arginine at codon 17 is replaced by serine, an amino acid with dissimilar properties. This amino acid position is conserved. In addition, this alteration is predicted to be deleterious by in silico analysis. Based on the available evidence, the clinical significance of this variant remains unclear.